The following is an entry in ClinVar:

ClinVar aggregate classification (germline): Conflicting classifications of pathogenicity. Review status: criteria provided, conflicting classifications (1 of 4 stars). 5 submissions from 5 submitters: Uncertain significance (4); Likely benign (1). Last evaluated 2025-11-30.

Conditions:
Breast-ovarian cancer, familial, susceptibility to, 2 (BROVCA2). Also called: BRCA2 Hereditary Breast and Ovarian Cancer. Identifiers: Orphanet 145, MedGen C2675520, MONDO:0012933, OMIM 612555. Disease mechanism: loss of function.
Hereditary cancer-predisposing syndrome. Also called: Hereditary Cancer Syndrome; Hereditary neoplastic syndrome; Tumor predisposition; Neoplastic Syndromes, Hereditary. Identifiers: Orphanet 140162, MedGen C0027672, MeSH D009386, MONDO:0015356.
Hereditary breast ovarian cancer syndrome. Also called: Hereditary breast and ovarian cancer syndrome; BRCA1- and BRCA2-Associated Hereditary Breast and Ovarian Cancer; Hereditary breast and ovarian cancer syndrome (HBOC); Hereditary breast and/or ovarian cancer syndrome; Hereditary breast and ovarian cancer; Breast and ovarian cancer. Identifiers: Orphanet 145, MedGen C0677776, MeSH D061325, MONDO:0003582. Disease mechanism: loss of function.
Familial cancer of breast. Also called: hereditary breast carcinoma; BREAST CANCER, FAMILIAL; Hereditary breast cancer. Identifiers: Orphanet 227535, MedGen C0346153, MONDO:0016419, OMIM 114480. Disease mechanism: loss of function.

Submissions (5):

Ambry Genetics
Classification: Uncertain significance for Hereditary cancer-predisposing syndrome. Last evaluated: 2025-11-30. Review status: criteria provided, single submitter. Criteria: Ambry Variant Classification Scheme 2023. Collection method: clinical testing. Allele origin: germline.
Comment: The p.L3333P variant (also known as c.9998T>C), located in coding exon 26 of the BRCA2 gene, results from a T to C substitution at nucleotide position 9998. The leucine at codon 3333 is replaced by proline, an amino acid with similar properties. This amino acid position is not well conserved in available vertebrate species. In addition, this alteration is predicted to be tolerated by in silico analysis. Since supporting evidence is limited at this time, the clinical significance of this alteration remains unclear.

MGZ Medical Genetics Center
Classification: Likely benign for Familial cancer of breast. Last evaluated: 2024-02-09. Review status: criteria provided, single submitter. Criteria: CSpec BRCA1/2ACMG Rules Specifications V1.1.0. Collection method: clinical testing. Allele origin: germline. Affected: yes.
Comment: ACMG codes applied following ENIGMA VCEP rules: BP1_STR, PM2_SUP

Baylor Genetics
Classification: Uncertain significance for Familial cancer of breast. Last evaluated: 2023-09-08. Review status: criteria provided, single submitter. Criteria: ACMG Guidelines, 2015. Collection method: clinical testing. Allele origin: unknown.

All of Us Research Program, National Institutes of Health
Classification: Uncertain significance for Breast-ovarian cancer, familial, susceptibility to, 2. Last evaluated: 2023-02-24. Review status: criteria provided, single submitter. Criteria: ACMG Guidelines, 2015. Collection method: clinical testing. Allele origin: germline. Inheritance: Autosomal dominant inheritance. Observed: 1 variant allele, 1 heterozygote.
Comment: This missense variant replaces leucine with proline at codon 3333 of the BRCA2 protein. Computational prediction suggests that this variant may not impact protein structure and function (internally defined REVEL score threshold <= 0.5, PMID: 27666373). To our knowledge, functional studies have not been reported for this variant. This variant has not been reported in individuals affected with BRCA2-related disorders in the literature. This variant has not been identified in the general population by the Genome Aggregation Database (gnomAD). The available evidence is insufficient to determine the role of this variant in disease conclusively. Therefore, this variant is classified as a Variant of Uncertain Significance.

This study involves interpretation of variants in research participants for the purpose of population health screening. Participant phenotype was not available at the time of variant classification. Additional details can be found in publication PMID: 35346344, PMCID: PMC8962531

Labcorp Genetics (formerly Invitae), Labcorp
Classification: Uncertain significance for Hereditary breast ovarian cancer syndrome. Last evaluated: 2022-05-07. Review status: criteria provided, single submitter. Criteria: Invitae Variant Classification Sherloc (09022015). Collection method: clinical testing. Allele origin: germline.
Comment: Advanced modeling of protein sequence and biophysical properties (such as structural, functional, and spatial information, amino acid conservation, physicochemical variation, residue mobility, and thermodynamic stability) performed at Invitae indicates that this missense variant is not expected to disrupt BRCA2 protein function. ClinVar contains an entry for this variant (Variation ID: 441460). This variant has not been reported in the literature in individuals affected with BRCA2-related conditions. This variant is not present in population databases (gnomAD no frequency). This sequence change replaces leucine, which is neutral and non-polar, with proline, which is neutral and non-polar, at codon 3333 of the BRCA2 protein (p.Leu3333Pro). In summary, the available evidence is currently insufficient to determine the role of this variant in disease. Therefore, it has been classified as a Variant of Uncertain Significance.

NM_000059.4(BRCA2):c.9998T>C (p.Leu3333Pro)

Gene: BRCA2 (BRCA2 DNA repair associated; plus strand). Cytogenetic location: 13q13.1.
Variant type: single nucleotide variant.
Coding change: c.9998T>C on transcript NM_000059.4 (MANE Select); coding-DNA position 9998, T replaced by C.
Protein change: p.Leu3333Pro; replaces leucine 3333 with proline.
Molecular consequence: missense variant.
Genome position (GRCh38, 1-based): chr13:32,398,511, T>C. VCF-style: chr13-32398511-T-C. GRCh37 (hg19) VCF-style: chr13-32972648-T-C.
Other names: short protein forms L3333P.
Identifiers: ClinVar variation 441460 (VCV000441460.12), dbSNP rs1555290016, ClinGen allele CA387767656.